The following is an entry in ClinVar:

NM_001927.4(DES):c.635G>T (p.Arg212Leu)

Gene: DES (desmin; plus strand). Cytogenetic location: 2q35.
Variant type: single nucleotide variant.
Coding change: c.635G>T on transcript NM_001927.4 (MANE Select); coding-DNA position 635, G replaced by T.
Protein change: p.Arg212Leu; replaces arginine 212 with leucine.
Molecular consequence: missense variant. On other transcripts: intron variant (1).
Genome position (GRCh38, 1-based): chr2:219,420,151, G>T. VCF-style: chr2-219420151-G-T. GRCh37 (hg19) VCF-style: chr2-220284873-G-T.
Other names: c.635G>T, p.Arg212Leu (NM_001382708.1, NM_001382709.1, NM_001382710.1 and 2 more transcripts); c.496-374G>T (NM_001382713.1); short protein forms R212L.
Identifiers: ClinVar variation 5006222 (VCV005006222.2).

ClinVar aggregate classification (germline): Uncertain significance (1 of 4 stars; one submission).

Conditions:
Neurogenic scapuloperoneal syndrome, Kaeser type (SCPNK). Also called: KAESER SYNDROME. Identifiers: Orphanet 85146, MedGen C1867005, MONDO:0008407, OMIM 181400.
Dilated cardiomyopathy 1I (CMD1I). Identifiers: Orphanet 154, MedGen C1858154, MONDO:0011482, OMIM 604765.
Desmin-related myofibrillar myopathy (MFM1). Also called: Desminopathy; MYOFIBRILLAR MYOPATHY WITH ARRHYTHMOGENIC RIGHT VENTRICULAR CARDIOMYOPATHY; DESMIN-RELATED MYOPATHY WITH ARRHYTHMOGENIC RIGHT VENTRICULAR CARDIOMYOPATHY; Desmin related myopathy (former name); Desmin storage myopathy (former name); Myofibrillar myopathy 1. Identifiers: Orphanet 363543, Orphanet 98909, MedGen C1832370, MONDO:0011076, OMIM 601419.

Submission:

Juno Genomics, Hangzhou Juno Genomics, Inc
Classification: Uncertain significance for Dilated cardiomyopathy 1I; Desmin-related myofibrillar myopathy; Neurogenic scapuloperoneal syndrome, Kaeser type. Review status: criteria provided, single submitter. Criteria: ACMG Guidelines, 2015. Collection method: clinical testing. Allele origin: germline.
Comment: Absent from controls (or at extremely low frequency if recessive) in Genome Aggregation Database.;Multiple lines of computational evidence support a deleterious effect on the gene or gene product.